The following is an entry in ClinVar:

NM_000088.4(COL1A1):c.2107C>G (p.Pro703Ala)

Gene: COL1A1 (collagen type I alpha 1 chain; minus strand). Cytogenetic location: 17q21.33.
Variant type: single nucleotide variant.
Coding change: c.2107C>G on transcript NM_000088.4 (MANE Select); coding-DNA position 2107, C replaced by G.
Protein change: p.Pro703Ala; replaces proline 703 with alanine.
Molecular consequence: missense variant.
Genome position (GRCh38, 1-based): chr17:50,191,808, G>C on the plus strand (C>G on the coding strand, the complement: COL1A1 is on the minus strand). VCF-style: chr17-50191808-G-C. GRCh37 (hg19) VCF-style: chr17-48269169-G-C.
Other names: short protein forms P703A.
Identifiers: ClinVar variation 658120 (VCV000658120.10), dbSNP rs1339321096, ClinGen allele CA400211654.
Genomic context (GRCh38, chr17:50,191,808, plus strand): 5'-CCTGGGCCACTTGCCAGAGCCCCTTCCACGCTGCCCTCACCTTAGCACCATCGTTGCCGG[G>C]AGCACCGTTGGCCCCTCGGGGACCAGCAGGACCAGGGGGACCTTGCACACCACGCTCGCC-3'
Protein context (NP_000079.2, residues 693-713): PAGPRGANGA[Pro703Ala]GNDGAKGDAG

ClinVar aggregate classification (germline): Uncertain significance. Review status: criteria provided, multiple submitters, no conflicts (2 of 4 stars). 2 submissions from 2 submitters: Uncertain significance (2). Last evaluated 2026-08-18.

Conditions:
Osteogenesis imperfecta type I (OI1). Also called: OI, TYPE I; OSTEOGENESIS IMPERFECTA TARDA; OSTEOGENESIS IMPERFECTA WITH BLUE SCLERAE; Osteogenesis imperfecta type 1; Lobstein disease; Lobstein's Disease. Identifiers: Orphanet 216796, Orphanet 666, MedGen C0023931, MONDO:0008146, OMIM 166200. Disease mechanism: loss of function.
COL1A1-related disorder. Also called: COL1A1- related disease; COL1A1-related condition.

Allele frequency attached by ClinVar (database versions not stated): gnomAD exomes below 0.00001.
gnomAD v4.1: 6 of 1,593,838 alleles (0.00038%); highest among the groups gnomAD compares: Non-Finnish European, 0.00051%; no homozygotes.

Submissions (2):

PreventionGenetics, part of Exact Sciences
Classification: Uncertain significance for COL1A1-related condition. Last evaluated: 2026-08-18. Review status: criteria provided, single submitter. Criteria: ACMG Guidelines, 2015. Collection method: clinical testing. Allele origin: germline.
Comment: The COL1A1 c.2107C>G variant is predicted to result in the amino acid substitution p.Pro703Ala. To our knowledge, this variant has not been reported in the literature or in a large population database (gnomAD), indicating this variant is rare. At this time, the clinical significance of this variant is uncertain due to the absence of conclusive functional and genetic evidence.

Labcorp Genetics (formerly Invitae), Labcorp
Classification: Uncertain significance for Osteogenesis imperfecta type I. Last evaluated: 2022-07-25. Review status: criteria provided, single submitter. Criteria: Invitae Variant Classification Sherloc (09022015). Collection method: clinical testing. Allele origin: germline.
Comment: This sequence change replaces proline, which is neutral and non-polar, with alanine, which is neutral and non-polar, at codon 703 of the COL1A1 protein (p.Pro703Ala). This variant is not present in population databases (gnomAD no frequency). This variant has not been reported in the literature in individuals affected with COL1A1-related conditions. ClinVar contains an entry for this variant (Variation ID: 658120). Advanced modeling of protein sequence and biophysical properties (such as structural, functional, and spatial information, amino acid conservation, physicochemical variation, residue mobility, and thermodynamic stability) performed at Invitae indicates that this missense variant is not expected to disrupt COL1A1 protein function. In summary, the available evidence is currently insufficient to determine the role of this variant in disease. Therefore, it has been classified as a Variant of Uncertain Significance.